The following is an entry in ClinVar:

NM_004766.3(COPB2):c.749A>T (p.Asp250Val)

Gene: COPB2 (coat protein complex I subunit beta 2; minus strand). Cytogenetic location: 3q23.
Variant type: single nucleotide variant.
Coding change: c.749A>T on transcript NM_004766.3 (MANE Select); coding-DNA position 749, A replaced by T.
Protein change: p.Asp250Val; replaces aspartic acid 250 with valine.
Molecular consequence: missense variant. On other transcripts: non-coding transcript variant (1).
Genome position (GRCh38, 1-based): chr3:139,374,491, T>A on the plus strand (A>T on the coding strand, the complement: COPB2 is on the minus strand). VCF-style: chr3-139374491-T-A. GRCh37 (hg19) VCF-style: chr3-139093333-T-A.
Other names: c.662A>T, p.Asp221Val (NM_001410834.1); short protein forms D221V, D250V.
Identifiers: ClinVar variation 4849872 (VCV004849872.1).
Genomic context (GRCh38, chr3:139,374,491, plus strand): 5'-CTTTAAATGCCCACTGAGTAGTTACTAGCACAGGAATAAACATACCCTTCTAACTTACCA[T>A]CTTCTGAACCTGTGATAATGATTGGCAACTCAGGATGAAAGCTGGCACAAGACACATTTT-3'
Protein context (NP_004757.1, residues 240-260): ELPIIITGSE[Asp250Val]GTVRIWHSST

ClinVar aggregate classification (germline): Uncertain significance (1 of 4 stars; one submission).

Conditions:
Osteoporosis, childhood- or juvenile-onset, with developmental delay. Identifiers: MedGen C5676992, MONDO:0859253, OMIM 619884.

Submission:

Egypt Genome Project
Classification: Uncertain significance for Osteoporosis, childhood- or juvenile-onset, with developmental delay. Last evaluated: 2026-02-01. Review status: criteria provided, single submitter. Criteria: ACMG Guidelines, 2015. Collection method: research. Allele origin: germline. Affected: yes.
Comment: The NM_004766.2 c.749A>T is classified as Variant of uncertain significance based on the AMCG/AMP criteria (PM2, PP2, BS4, PP3)